The following is an entry in ClinVar:

NM_000492.4(CFTR):c.4392del (p.Ile1464fs)

Genes: CFTR (CF transmembrane conductance regulator; plus strand), LOC111674477 (CFTR intron 23 enhancer; plus strand). Cytogenetic location: 7q31.2.
Variant type: Deletion.
Coding change: c.4392del on transcript NM_000492.4 (MANE Select); coding-DNA position 4392, one base deleted (T; older notation c.4392delT).
Protein change: p.Ile1464fs; shifts the reading frame from isoleucine 1464.
Molecular consequence: frameshift variant.
Genome position (GRCh38, 1-based): chr7:117,667,057, T deleted; the last of 2 consecutive T bases (chr7:117,667,056-117,667,057); deleting either gives the same sequence. VCF-style (leftmost placement, unchanged base first): chr7-117667055-AT-A. GRCh37 (hg19) VCF-style: chr7-117307109-AT-A.
Other names: c.4392delT (NM_000492.3); short protein forms I1464fs.
Identifiers: ClinVar variation 1699602 (VCV001699602.8), dbSNP rs1793395260, ClinGen allele CA1106321155.

ClinVar aggregate classification (germline): Conflicting classifications of pathogenicity. Review status: criteria provided, conflicting classifications (1 of 4 stars). 3 submissions from 3 submitters: Pathogenic (1); Likely pathogenic (1); Uncertain significance (1). Last evaluated 2024-12-04.

Conditions:
CFTR-related disorder (CFTR-RD). Also called: CFTR-related condition; CFTR-related disorders. Identifiers: MedGen C5924204, MONDO:7770004.
Cystic fibrosis (CF). Also called: MUCOVISCIDOSIS. Identifiers: Orphanet 586, MedGen C0010674, MONDO:0009061, OMIM 219700. Disease mechanism: loss of function.

Submissions (3):

Natera, Inc.
Classification: Likely pathogenic for CFTR-related disorders. Last evaluated: 2024-12-04. Review status: criteria provided, single submitter. Criteria: Natera Variant Classification Schema (03/2026). Collection method: clinical testing. Allele origin: germline.
Comment: The c.4392delT variant in CFTR is a frameshift variant predicted to shift the reading frame beginning at codon 1464 and leads to a stop codon 4 codons downstream. This variant is expected to result in nonsense mediated decay, truncation, or a dysfunctional protein product. This variant is rare in the general population with a frequency below the threshold expected for the associated phenotype(s). Given the available evidence, this variant is classified as Likely Pathogenic.

Labcorp Genetics (formerly Invitae), Labcorp
Classification: Pathogenic for Cystic fibrosis. Last evaluated: 2022-08-28. Review status: criteria provided, single submitter. Criteria: Invitae Variant Classification Sherloc (09022015). Collection method: clinical testing. Allele origin: germline.
Comment: For these reasons, this variant has been classified as Pathogenic. This variant disrupts a region of the CFTR protein in which other variant(s) (p.Gln1476*) have been determined to be pathogenic (PMID: 11938439, 22020151, 25910067, 28544683, 30444886). This suggests that this is a clinically significant region of the protein, and that variants that disrupt it are likely to be disease-causing. This variant has not been reported in the literature in individuals affected with CFTR-related conditions. This variant is not present in population databases (gnomAD no frequency). This sequence change creates a premature translational stop signal (p.Ile1464Metfs*4) in the CFTR gene. While this is not anticipated to result in nonsense mediated decay, it is expected to disrupt the last 17 amino acid(s) of the CFTR protein.

GeneDx
Classification: Uncertain significance. Last evaluated: 2022-01-31. Review status: criteria provided, single submitter. Criteria: GeneDx Variant Classification Process June 2021. Collection method: clinical testing. Allele origin: germline. Affected: yes.
Comment: Frameshift variant predicted to result in protein truncation as the last 17 amino acids are replaced with 3 different amino acids, although loss-of-function variants have not been reported downstream of this position in the protein; Not observed at significant frequency in large population cohorts (gnomAD); Has not been previously published as pathogenic or benign to our knowledge

Literature cited by the submitters: PubMed 11938439 (cited by Labcorp Genetics (formerly Invitae), Labcorp); PubMed 22020151 (cited by Labcorp Genetics (formerly Invitae), Labcorp); PubMed 25910067 (cited by Labcorp Genetics (formerly Invitae), Labcorp); PubMed 28544683 (cited by Labcorp Genetics (formerly Invitae), Labcorp); PubMed 30444886 (cited by Labcorp Genetics (formerly Invitae), Labcorp).